The following is an entry in ClinVar:

NM_004928.3(CFAP410):c.21G>T (p.Met7Ile)

Genes: CFAP410 (cilia and flagella associated protein 410; minus strand), LOC130066823 (ATAC-STARR-seq lymphoblastoid silent region 13383; plus strand). Cytogenetic location: 21q22.3.
Variant type: single nucleotide variant.
Coding change: c.21G>T on transcript NM_004928.3 (MANE Select); coding-DNA position 21, G replaced by T.
Protein change: p.Met7Ile; replaces methionine 7 with isoleucine.
Molecular consequence: missense variant.
Genome position (GRCh38, 1-based): chr21:44,339,174, C>A on the plus strand (G>T on the coding strand, the complement: CFAP410 is on the minus strand). VCF-style: chr21-44339174-C-A. GRCh37 (hg19) VCF-style: chr21-45759057-C-A.
Other names: c.21G>T, p.Met7Ile (NM_001271440.2, NM_001271441.2); short protein forms M7I.
Identifiers: ClinVar variation 1968351 (VCV001968351.2), dbSNP rs1324269660, ClinGen allele CA410461369.

ClinVar aggregate classification (germline): Uncertain significance (1 of 4 stars; one submission).

Allele frequency attached by ClinVar (database versions not stated): TOPMed 0.00001.

Submission:

Labcorp Genetics (formerly Invitae), Labcorp
Classification: Uncertain significance. Last evaluated: 2022-04-12. Review status: criteria provided, single submitter. Criteria: Invitae Variant Classification Sherloc (09022015). Collection method: clinical testing. Allele origin: germline.
Comment: This sequence change replaces methionine, which is neutral and non-polar, with isoleucine, which is neutral and non-polar, at codon 7 of the CFAP410 protein (p.Met7Ile). This variant is not present in population databases (gnomAD no frequency). This variant has not been reported in the literature in individuals affected with CFAP410-related conditions. Algorithms developed to predict the effect of missense changes on protein structure and function (SIFT, PolyPhen-2, Align-GVGD) all suggest that this variant is likely to be tolerated. In summary, the available evidence is currently insufficient to determine the role of this variant in disease. Therefore, it has been classified as a Variant of Uncertain Significance.